The following is an entry in ClinVar:

NM_001212.4(C1QBP):c.57C>T (p.Leu19=)

Genes: C1QBP (complement C1q binding protein; minus strand), LOC130060075 (ATAC-STARR-seq lymphoblastoid silent region 8070; plus strand). Cytogenetic location: 17p13.2.
Variant type: single nucleotide variant.
Coding change: c.57C>T on transcript NM_001212.4 (MANE Select); coding-DNA position 57, C replaced by T.
Protein change: p.Leu19=; no amino-acid change (leucine 19 retained).
Molecular consequence: synonymous variant.
Genome position (GRCh38, 1-based): chr17:5,439,017, G>A on the plus strand (C>T on the coding strand, the complement: C1QBP is on the minus strand). VCF-style: chr17-5439017-G-A. GRCh37 (hg19) VCF-style: chr17-5342337-G-A.
Other names: c.57C>T (NM_001212.3).
Identifiers: ClinVar variation 1945635 (VCV001945635.6), dbSNP rs925841715, ClinGen allele CA287261587.
Genomic context (GRCh38, chr17:5,439,017, plus strand): 5'-GCACAGCCGGGGTGCCGGCTGCAGGAGCTGCCGGAAAGGCGAGGCGGGCGCGGCAGCGCG[G>A]AGGCCGGCGACGGAGGAGCCCAGCACACGGGGCACGCAGCGCAGCAGAGGCAGCATCGCG-3'
Protein context (NP_001203.1, residues 9-29): PRVLGSSVAG[Leu19=]RAAAPASPFR

ClinVar aggregate classification (germline): Likely benign. Review status: criteria provided, multiple submitters, no conflicts (2 of 4 stars). 2 submissions from 2 submitters: Likely benign (2). Last evaluated 2025-03-27.

Conditions:
C1QBP-related disorder. Also called: C1QBP-related condition.

Allele frequency attached by ClinVar (database versions not stated): gnomAD 0.00001; TOPMed 0.00001.
gnomAD v4.1: 14 of 1,500,772 alleles (0.00093%); highest among the groups gnomAD compares: Non-Finnish European, 0.0012%; no homozygotes.

Submissions (2):

Labcorp Genetics (formerly Invitae), Labcorp
Classification: Likely benign. Last evaluated: 2025-03-27. Review status: criteria provided, single submitter. Criteria: Invitae Variant Classification Sherloc (09022015). Collection method: clinical testing. Allele origin: germline.

PreventionGenetics, part of Exact Sciences
Classification: Likely benign for C1QBP-related condition. Last evaluated: 2024-11-21. Review status: criteria provided, single submitter. Criteria: ACMG Guidelines, 2015. Collection method: clinical testing. Allele origin: germline.
Comment: This variant is classified as likely benign based on ACMG/AMP sequence variant interpretation guidelines (Richards et al. 2015 PMID: 25741868, with internal and published modifications).